The following is an entry in ClinVar:

NM_058216.3(RAD51C):c.482A>T (p.Glu161Val)

Gene: RAD51C (RAD51 paralog C; plus strand). Cytogenetic location: 17q22.
Variant type: single nucleotide variant.
Coding change: c.482A>T on transcript NM_058216.3 (MANE Select); coding-DNA position 482, A replaced by T.
Protein change: p.Glu161Val; replaces glutamic acid 161 with valine.
Molecular consequence: missense variant.
Genome position (GRCh38, 1-based): chr17:58,696,770, A>T. VCF-style: chr17-58696770-A-T. GRCh37 (hg19) VCF-style: chr17-56774131-A-T.
Other names: c.482A>T (LRG_314t1); short protein forms E161V.
Identifiers: ClinVar variation 496504 (VCV000496504.15), dbSNP rs1555594725, ClinGen allele CA400344744.

ClinVar aggregate classification (germline): Uncertain significance. Review status: criteria provided, multiple submitters, no conflicts (2 of 4 stars). 5 submissions from 5 submitters: Uncertain significance (5). Last evaluated 2025-07-03.

Conditions:
Breast-ovarian cancer, familial, susceptibility to, 3. Also called: RAD51C-Related Breast/Ovarian Cancer. Identifiers: Orphanet 145, MedGen C3150659, MONDO:0013253, OMIM 613399.
Fanconi anemia complementation group O. Also called: RAD51C-Related Fanconi Anemia. Identifiers: Orphanet 84, MedGen C3150653, MONDO:0013248, OMIM 613390.
Hereditary cancer-predisposing syndrome. Also called: Tumor predisposition; Hereditary neoplastic syndrome; Neoplastic Syndromes, Hereditary; Hereditary Cancer Syndrome. Identifiers: Orphanet 140162, MedGen C0027672, MeSH D009386, MONDO:0015356.

Allele frequency attached by ClinVar (database versions not stated): TOPMed below 0.00001.
gnomAD v4.1: 5 of 1,614,176 alleles (0.00031%); highest among the groups gnomAD compares: Non-Finnish European, 0.00042%; no homozygotes.

Submissions (5):

Ambry Genetics
Classification: Uncertain significance for Hereditary cancer-predisposing syndrome. Last evaluated: 2025-07-03. Review status: criteria provided, single submitter. Criteria: Ambry Variant Classification Scheme 2023. Collection method: clinical testing. Allele origin: germline.
Comment: The p.E161V variant (also known as c.482A>T), located in coding exon 3 of the RAD51C gene, results from an A to T substitution at nucleotide position 482. The glutamic acid at codon 161 is replaced by valine, an amino acid with dissimilar properties. This alteration has been identified in a breast and/or ovarian cancer patient (Van Marcke C et al. Breast Cancer Res, 2020 04;22:36). This amino acid position is highly conserved in available vertebrate species. In addition, this alteration is predicted to be deleterious by in silico analysis. Since supporting evidence is limited at this time, the clinical significance of this alteration remains unclear.

Color Diagnostics, LLC DBA Color Health
Classification: Uncertain significance for Hereditary cancer-predisposing syndrome. Last evaluated: 2025-04-29. Review status: criteria provided, single submitter. Criteria: ACMG Guidelines, 2015. Collection method: clinical testing. Allele origin: germline.
Comment: This missense variant replaces glutamic acid with valine at codon 161 of the RAD51C protein. Computational prediction suggests that this variant may have deleterious impact on protein structure and function. To our knowledge, functional studies have not been reported for this variant. This variant has been reported in an individual affected with breast cancer (PMID: 32295625). This variant has not been identified in the general population by the Genome Aggregation Database (gnomAD). The available evidence is insufficient to determine the role of this variant in disease conclusively. Therefore, this variant is classified as a Variant of Uncertain Significance.

Labcorp Genetics (formerly Invitae), Labcorp
Classification: Uncertain significance for Fanconi anemia complementation group O. Last evaluated: 2025-02-10. Review status: criteria provided, single submitter. Criteria: Invitae Variant Classification Sherloc (09022015). Collection method: clinical testing. Allele origin: germline.
Comment: This sequence change replaces glutamic acid, which is acidic and polar, with valine, which is neutral and non-polar, at codon 161 of the RAD51C protein (p.Glu161Val). This variant is not present in population databases (gnomAD no frequency). This variant has not been reported in the literature in individuals affected with RAD51C-related conditions. ClinVar contains an entry for this variant (Variation ID: 496504). Invitae Evidence Modeling of protein sequence and biophysical properties (such as structural, functional, and spatial information, amino acid conservation, physicochemical variation, residue mobility, and thermodynamic stability) has been performed for this missense variant. However, the output from this modeling did not meet the statistical confidence thresholds required to predict the impact of this variant on RAD51C protein function. In summary, the available evidence is currently insufficient to determine the role of this variant in disease. Therefore, it has been classified as a Variant of Uncertain Significance.

Fulgent Genetics
Classification: Uncertain significance for Fanconi anemia complementation group O; Breast-ovarian cancer, familial, susceptibility to, 3. Last evaluated: 2024-02-14. Review status: criteria provided, single submitter. Criteria: ACMG Guidelines, 2015. Collection method: clinical testing. Allele origin: germline.

Women's Health and Genetics/Laboratory Corporation of America, LabCorp
Classification: Uncertain significance. Last evaluated: 2016-08-24. Review status: criteria provided, single submitter. Criteria: LabCorp Variant Classification Summary - May 2015. Collection method: clinical testing. Allele origin: germline.
Comment: Variant summary: The c.482A>T (p.Glu161Val) in RAD51C gene is a missense change that involves a highly conserved nucleotide and 4/5 in silico tools predict damaging outcome. The variant of interest is located within a functional domain required for DNA recombination, and mutations in this region found in HBOC pts were presumably associated with RAD51C-mediated breast and ovarian cancer. The variant is absent from the control population dataset of ExAC and has not, to our knowledge, been reported in affected individuals via published reports or by reputable databases/clinical laboratories. Taking together, the variant was classified as VUS.

Literature cited by the submitters: PubMed 32295625 (cited by Ambry Genetics and Color Diagnostics, LLC DBA Color Health).